The following is an entry in ClinVar:

ClinVar aggregate classification (germline): Uncertain significance. Review status: criteria provided, multiple submitters, no conflicts (2 of 4 stars). 2 submissions from 2 submitters: Uncertain significance (2). Last evaluated 2024-09-24.

Conditions:
Nemaline myopathy 10 (NEM10). Identifiers: MedGen C4015360, MONDO:0014513, OMIM 616165.

Allele frequency attached by ClinVar (database versions not stated): gnomAD exomes 0.00001 and 0.00004; gnomAD 0.00002 and 0.00003; TOPMed 0.00002; ExAC 0.00003; ESP Exome Variant Server 0.00008.
gnomAD v4.1: 61 of 1,611,790 alleles (0.0038%); highest among the groups gnomAD compares: Non-Finnish European, 0.0047%; no homozygotes.

Submissions (2):

GeneDx
Classification: Uncertain significance. Last evaluated: 2024-09-24. Review status: criteria provided, single submitter. Criteria: GeneDx Variant Classification Process June 2021. Collection method: clinical testing. Allele origin: germline. Affected: yes.
Comment: Not observed at significant frequency in large population cohorts (gnomAD); In silico analysis indicates that this missense variant does not alter protein structure/function; Has not been previously published as pathogenic or benign to our knowledge

Labcorp Genetics (formerly Invitae), Labcorp
Classification: Uncertain significance for Nemaline myopathy 10. Last evaluated: 2022-03-25. Review status: criteria provided, single submitter. Criteria: Invitae Variant Classification Sherloc (09022015). Collection method: clinical testing. Allele origin: germline.
Comment: In summary, the available evidence is currently insufficient to determine the role of this variant in disease. Therefore, it has been classified as a Variant of Uncertain Significance. Algorithms developed to predict the effect of missense changes on protein structure and function (SIFT, PolyPhen-2, Align-GVGD) all suggest that this variant is likely to be disruptive. This variant has not been reported in the literature in individuals affected with LMOD3-related conditions. This variant is present in population databases (rs376653017, gnomAD 0.003%). This sequence change replaces alanine, which is neutral and non-polar, with threonine, which is neutral and polar, at codon 548 of the LMOD3 protein (p.Ala548Thr).

NM_198271.5(LMOD3):c.1642G>A (p.Ala548Thr)

Gene: LMOD3 (leiomodin 3; minus strand). Cytogenetic location: 3p14.1.
Variant type: single nucleotide variant.
Coding change: c.1642G>A on transcript NM_198271.5 (MANE Select); coding-DNA position 1642, G replaced by A.
Protein change: p.Ala548Thr; replaces alanine 548 with threonine.
Molecular consequence: missense variant.
Genome position (GRCh38, 1-based): chr3:69,118,713, C>T on the plus strand (G>A on the coding strand, the complement: LMOD3 is on the minus strand). VCF-style: chr3-69118713-C-T. GRCh37 (hg19) VCF-style: chr3-69167864-C-T.
Other names: c.1642G>A, p.Ala548Thr (NM_001304418.3); c.1642G>A (NM_198271.4); short protein forms A548T.
Identifiers: ClinVar variation 1481057 (VCV001481057.9), dbSNP rs376653017, ClinGen allele CA2488712.